The following is an entry in ClinVar:

NM_001371623.1(TCOF1):c.3131A>G (p.Lys1044Arg)

Gene: TCOF1 (treacle ribosome biogenesis factor 1; plus strand). Cytogenetic location: 5q32.
Variant type: single nucleotide variant.
Coding change: c.3131A>G on transcript NM_001371623.1 (MANE Select); coding-DNA position 3131, A replaced by G.
Protein change: p.Lys1044Arg; replaces lysine 1044 with arginine.
Molecular consequence: missense variant.
Genome position (GRCh38, 1-based): chr5:150,389,971, A>G. VCF-style: chr5-150389971-A-G. GRCh37 (hg19) VCF-style: chr5-149769534-A-G.
Other names: c.2900A>G, p.Lys967Arg (NM_000356.4, NM_001135245.2); c.3131A>G, p.Lys1044Arg (NM_001135243.2, NM_001135244.2, NM_001195141.2); short protein forms K1044R, K967R.
Identifiers: ClinVar variation 1314625 (VCV001314625.2), dbSNP rs373231270, ClinGen allele CA3511415.

ClinVar aggregate classification (germline): Uncertain significance (1 of 4 stars; one submission).

Allele frequency attached by ClinVar (database versions not stated): gnomAD exomes below 0.00001 and 0.00001; ExAC 0.00001; gnomAD 0.00003 and 0.00004; TOPMed 0.00003; ESP Exome Variant Server 0.00015.
gnomAD v4.1: 12 of 1,614,050 alleles (0.00074%); highest among the groups gnomAD compares: African/African-American, 0.0013%; no homozygotes.

Submission:

GeneDx
Classification: Uncertain significance. Last evaluated: 2021-04-05. Review status: criteria provided, single submitter. Criteria: GeneDx Variant Classification Process June 2021. Collection method: clinical testing. Allele origin: germline. Affected: yes.
Comment: In silico analysis supports that this missense variant does not alter protein structure/function; Has not been previously published as pathogenic or benign to our knowledge